The following is an entry in ClinVar:

NM_000465.4(BARD1):c.424T>A (p.Ser142Thr)

Gene: BARD1 (BRCA1 associated RING domain 1; minus strand). Cytogenetic location: 2q35.
Variant type: single nucleotide variant.
Coding change: c.424T>A on transcript NM_000465.4 (MANE Select); coding-DNA position 424, T replaced by A.
Protein change: p.Ser142Thr; replaces serine 142 with threonine.
Molecular consequence: missense variant. On other transcripts: non-coding transcript variant (2), intron variant (3).
Genome position (GRCh38, 1-based): chr2:214,781,450, A>T on the plus strand (T>A on the coding strand, the complement: BARD1 is on the minus strand). VCF-style: chr2-214781450-A-T. GRCh37 (hg19) VCF-style: chr2-215646174-A-T.
Other names: c.367T>A, p.Ser123Thr (NM_001282543.2); c.158+27962T>A (NM_001282548.2); c.215+15611T>A (NM_001282545.2); c.364+10847T>A (NM_001282549.2); short protein forms S123T, S142T.
Identifiers: ClinVar variation 3675055 (VCV003675055.2).
Genomic context (GRCh38, chr2:214,781,450, plus strand): 5'-AAGCTTTACTCACAACATATCTGACTTTCTTACTTCGAGGGCTAAACCACATTTTAATTG[A>T]ATTCTTCTTGTTTCCTGCATCATTAAACAAACTTTTCCTAGGTTTATCTTCTTTCAAATC-3'
Protein context (NP_000456.2, residues 132-152): LFNDAGNKKN[Ser142Thr]IKMWFSPRSK

ClinVar aggregate classification (germline): Uncertain significance (1 of 4 stars; one submission).

Conditions:
Familial cancer of breast. Also called: Hereditary breast cancer; hereditary breast carcinoma; BREAST CANCER, FAMILIAL. Identifiers: Orphanet 227535, MedGen C0346153, MONDO:0016419, OMIM 114480. Disease mechanism: loss of function.

Submission:

Labcorp Genetics (formerly Invitae), Labcorp
Classification: Uncertain significance for Familial cancer of breast. Last evaluated: 2025-01-12. Review status: criteria provided, single submitter. Criteria: Invitae Variant Classification Sherloc (09022015). Collection method: clinical testing. Allele origin: germline.
Comment: This sequence change replaces serine, which is neutral and polar, with threonine, which is neutral and polar, at codon 142 of the BARD1 protein (p.Ser142Thr). This variant is not present in population databases (gnomAD no frequency). This variant has not been reported in the literature in individuals affected with BARD1-related conditions. An algorithm developed to predict the effect of missense changes on protein structure and function (PolyPhen-2) suggests that this variant is likely to be disruptive. In summary, the available evidence is currently insufficient to determine the role of this variant in disease. Therefore, it has been classified as a Variant of Uncertain Significance.